The following is an entry in ClinVar:

ClinVar aggregate classification (germline): Likely pathogenic (0 of 4 stars; one submission).

Allele frequency attached by ClinVar (database versions not stated): TOPMed below 0.00001; gnomAD exomes 0.00002.

Submission:

Genetic Services Laboratory, University of Chicago
Classification: Likely pathogenic. Last evaluated: 2022-06-27. Review status: no assertion criteria provided. Collection method: clinical testing. Allele origin: germline. Affected: yes.
Comment: DNA sequence analysis of the DCAF17 gene demonstrated a single base pair deletion in exon 10, c.1027del. This sequence change results in an amino acid frameshift and creates a premature stop codon 13 amino acids downstream of the change, p.Asp343Thrfs*13. This sequence change is predicted to result in an abnormal transcript, which may be degraded, or may lead to the production of a truncated DCAF17 protein with potentially abnormal function. This sequence change has been described in the gnomAD database in three individuals corresponding to a population frequency of 0.0012%. While this sequence change has not previously been described in the literature, other deletions in the DCAF17 gene have been described in the homozygous and compound heterozygous state in individuals with DCAF17-related Woodhouse-Sakati syndrome (PMID: 19026396, 21964978, 26612766). Collectively, these evidences indicate this sequence change is likely pathogenic, however functional studies have not been performed to prove this conclusively.

NM_025000.4(DCAF17):c.1027del (p.Asp343fs)

Gene: DCAF17 (DDB1 and CUL4 associated factor 17; plus strand). Cytogenetic location: 2q31.1.
Variant type: Deletion.
Coding change: c.1027del on transcript NM_025000.4 (MANE Select); coding-DNA position 1027, one base deleted (G; older notation c.1027delG).
Protein change: p.Asp343fs; shifts the reading frame from aspartic acid 343.
Molecular consequence: frameshift variant. On other transcripts: non-coding transcript variant (1), intron variant (1).
Genome position (GRCh38, 1-based): chr2:171,473,911, G deleted. VCF-style (leftmost placement, unchanged base first): chr2-171473910-TG-T. GRCh37 (hg19) VCF-style: chr2-172330420-TG-T.
Other names: c.982-4076del (NM_001164821.2); short protein forms D343fs.
Identifiers: ClinVar variation 2443105 (VCV002443105.2), dbSNP rs1559289518, ClinGen allele CA537702581.
Genomic context (GRCh38, chr2:171,473,910, plus strand): 5'-TTTTTTCCAACTTCAGGCAAAAAATGGGATCCAAGAAATGGATTGTTGTTCTCTAGAATC[TG>T]ACTGGATCTATTTCCATCCTGATGCTTCTGGTAGAATAATACATGTTGGTCCAAATCAAG-3'